The following is an entry in ClinVar:

NM_004714.3(DYRK1B):c.521-8C>T

Gene: DYRK1B (dual specificity tyrosine phosphorylation regulated kinase 1B; minus strand). Cytogenetic location: 19q13.2.
Variant type: single nucleotide variant.
Coding change: c.521-8C>T on transcript NM_004714.3 (MANE Select); 8 bases into the intron before coding-DNA position 521, C replaced by T.
Molecular consequence: intron variant.
Genome position (GRCh38, 1-based): chr19:39,828,591, G>A on the plus strand (C>T on the coding strand, the complement: DYRK1B is on the minus strand). VCF-style: chr19-39828591-G-A. GRCh37 (hg19) VCF-style: chr19-40319231-G-A.
Other names: c.521-8C>T (NM_006483.3, NM_006484.3).
Identifiers: ClinVar variation 4997316 (VCV004997316.1).

ClinVar aggregate classification (germline): Likely benign (1 of 4 stars; one submission).

Conditions:
DYRK1B-related disorder. Also called: DYRK1B-related condition.

gnomAD v4.1: 9 of 1,601,332 alleles (0.00056%); highest among the groups gnomAD compares: African/African-American, 0.004%; no homozygotes.

Submission:

PreventionGenetics, part of Exact Sciences
Classification: Likely benign for DYRK1B-related condition. Last evaluated: 2026-05-20. Review status: criteria provided, single submitter. Criteria: ACMG Guidelines, 2015. Collection method: clinical testing. Allele origin: germline.
Comment: This variant is classified as likely benign based on ACMG/AMP sequence variant interpretation guidelines (Richards et al. 2015 PMID: 25741868, with internal and published modifications).